The following is an entry in ClinVar:

ClinVar aggregate classification (germline): Conflicting classifications of pathogenicity. Review status: criteria provided, conflicting classifications (1 of 4 stars). 3 submissions from 3 submitters: Uncertain significance (2); Likely benign (1). Last evaluated 2026-01-04.

Conditions:
FLNB-Related Spectrum Disorders.

Allele frequency attached by ClinVar (database versions not stated): gnomAD exomes 0.00005 and 0.00009; TOPMed 0.00005; ExAC 0.00006; gnomAD 0.00006; ESP Exome Variant Server 0.00023.
gnomAD v4.1: 145 of 1,614,084 alleles (0.009%); highest among the groups gnomAD compares: Non-Finnish European, 0.011%; no homozygotes.

Submissions (3):

Labcorp Genetics (formerly Invitae), Labcorp
Classification: Likely benign. Last evaluated: 2026-01-04. Review status: criteria provided, single submitter. Criteria: Invitae Variant Classification Sherloc (09022015). Collection method: clinical testing. Allele origin: germline.

Women's Health and Genetics/Laboratory Corporation of America, LabCorp
Classification: Uncertain significance. Last evaluated: 2024-01-23. Review status: criteria provided, single submitter. Criteria: LabCorp Variant Classification Summary - May 2015. Collection method: clinical testing. Allele origin: germline.
Comment: Variant summary: FLNB c.1688T>C (p.Ile563Thr) results in a non-conservative amino acid change in the encoded protein sequence. Three of five in-silico tools predict a damaging effect of the variant on protein function. The variant allele was found at a frequency of 5.2e-05 in 251470 control chromosomes. To our knowledge, no occurrence of c.1688T>C in individuals affected with Larsen Syndrome and no experimental evidence demonstrating its impact on protein function have been reported. ClinVar contains an entry for this variant (Variation ID: 346314). Based on the evidence outlined above, the variant was classified as uncertain significance.

Illumina Laboratory Services, Illumina
Classification: Uncertain significance for FLNB-Related Spectrum Disorders. Last evaluated: 2018-01-13. Review status: criteria provided, single submitter. Criteria: ICSL Variant Classification Criteria 13 December 2019. Collection method: clinical testing. Allele origin: germline.

NM_001457.4(FLNB):c.1688T>C (p.Ile563Thr)

Gene: FLNB (filamin B; plus strand). Cytogenetic location: 3p14.3.
Variant type: single nucleotide variant.
Coding change: c.1688T>C on transcript NM_001457.4 (MANE Select); coding-DNA position 1688, T replaced by C.
Protein change: p.Ile563Thr; replaces isoleucine 563 with threonine.
Molecular consequence: missense variant.
Genome position (GRCh38, 1-based): chr3:58,105,157, T>C. VCF-style: chr3-58105157-T-C. GRCh37 (hg19) VCF-style: chr3-58090884-T-C.
Other names: c.1688T>C, p.Ile563Thr (NM_001164317.2, NM_001164318.2, NM_001164319.2); short protein forms I563T.
Identifiers: ClinVar variation 346314 (VCV000346314.10), dbSNP rs145891515, ClinGen allele CA2467897.